The following is an entry in ClinVar:

NM_001164508.2(NEB):c.78+1G>A

Gene: NEB (nebulin; minus strand). Cytogenetic location: 2q23.3.
Variant type: single nucleotide variant.
Coding change: c.78+1G>A on transcript NM_001164508.2 (MANE Select); the canonical splice donor site of the intron after coding-DNA position 78, G replaced by A.
Molecular consequence: splice donor variant.
Genome position (GRCh38, 1-based): chr2:151,729,614, C>T on the plus strand (G>A on the coding strand, the complement: NEB is on the minus strand). VCF-style: chr2-151729614-C-T. GRCh37 (hg19) VCF-style: chr2-152586128-C-T.
Other names: c.78+1G>A (NM_004543.5, NM_001164507.2, NM_001271208.2).
Identifiers: ClinVar variation 552018 (VCV000552018.28), dbSNP rs778593702, ClinGen allele CA1912012.
Genomic context (GRCh38, chr2:151,729,614, plus strand): 5'-GGAGAAAGCTCTTCCTGCTTTAATGAGAATGCAGTTTATGCAGCTGTGGGCTGGGCCTTA[C>T]CTCTCCCGGCACCTCTTCGTAAACCACTTCTTCTGTGTAGTACTGTAAATAGAGCACAAA-3'

ClinVar aggregate classification (germline): Pathogenic. Review status: reviewed by expert panel (3 of 4 stars). 11 submissions from 10 submitters: Pathogenic (1). 10 of the submissions do not count toward it. Last evaluated 2024-08-07.

Conditions:
Nemaline myopathy. Also called: Myopathies, Nemaline. Identifiers: Orphanet 607, MedGen C0206157, MONDO:0018958.
Nemaline myopathy 2 (NEM2). Also called: Nemaline myopathy 2, autosomal recessive. Identifiers: MedGen C1850569, MONDO:0009725, OMIM 256030.
Arthrogryposis multiplex congenita 6. Identifiers: MedGen C5543431, MONDO:0030281, OMIM 619334.
NEB-related disorder. Also called: NEB-Related Disorders; NEB-related condition.

Allele frequency attached by ClinVar (database versions not stated): ExAC 0.00001; TOPMed 0.00002; gnomAD exomes 0.00001.

Submissions (11):

ClinGen Congenital Myopathies Variant Curation Expert Panel, ClinGen
Classification: Pathogenic for Nemaline myopathy. Last evaluated: 2024-08-07. Review status: reviewed by expert panel. Criteria: ClinGen CongenMyopathy ACMG Specifications NEB V1.0.0. Collection method: curation. Allele origin: germline. Inheritance: Autosomal recessive inheritance.
Comment: The c.78+1G>A variant in NEB occurs within the canonical splice donor site +1 of intron 4. It is expected to disrupt RNA splicing of in-frame exon 4 leading to loss of protein function and loss-of-function of NEB is an established disease mechanism (PVS1). The highest population minor allele frequency in gnomAD v4.1.0 is 0.00007461 (88/1179410) in non-Finnish European which does not meet the threshold for PM2_Supporting (≤ 0.0000559). This variant has been detected in more than four unrelated affected individuals with a second pathogenic variant (PM3_Very Strong, Internal lab contributor: Invitae, SCV001578888.4; PMID: 25205138, 30859559). In summary, this variant meets the criteria to be classified as pathogenic for autosomal recessive nemaline myopathy based on the ACMG/AMP criteria applied, as specified by the ClinGen Congenital Myopathies VCEP: PVS1_Strong, PM3_Very Strong (Congenital Myopathies VCEP specifications version 1; 8/7/2024).

Labcorp Genetics (formerly Invitae), Labcorp
Classification: Pathogenic for Nemaline myopathy 2. Last evaluated: 2025-10-09. Review status: criteria provided, single submitter. Criteria: Invitae Variant Classification Sherloc (09022015). Collection method: clinical testing. Allele origin: germline. Not counted in ClinVar's aggregate classification.
Comment: This sequence change affects a donor splice site in intron 4 of the NEB gene. It is expected to disrupt RNA splicing. Variants that disrupt the donor or acceptor splice site typically lead to a loss of protein function (PMID: 16199547), and loss-of-function variants in NEB are known to be pathogenic (PMID: 25205138). This variant is present in population databases (rs778593702, gnomAD 0.007%). Disruption of this splice site has been observed in individuals with nemaline myopathy (PMID: 19232495, 25205138). ClinVar contains an entry for this variant (Variation ID: 552018). Algorithms developed to predict the effect of sequence changes on RNA splicing suggest that this variant may disrupt the consensus splice site. For these reasons, this variant has been classified as Pathogenic.

Variantyx, Inc.
Classification: Pathogenic for Arthrogryposis multiplex congenita 6. Last evaluated: 2025-05-14. Review status: criteria provided, single submitter. Criteria: Variantyx Assertion Criteria 2022. Collection method: clinical testing. Allele origin: germline. Inheritance: Autosomal recessive inheritance. Affected: yes. Not counted in ClinVar's aggregate classification.
Comment: This is a canonical splicing variant in the NEB gene (OMIM: 161650). Pathogenic variants in this gene have been associated with autosomal recessive arthrogryposis multiplex congenita 6. This splicing variant is expected to result in loss of function, which is a known disease mechanism for NEB in this disorder (PMID: 25205138) (PVS1). It has a 0.0079% maximum allele frequency in non-founder control populations. Based on the current evidence, this variant is classified as pathogenic for autosomal recessive arthrogryposis multiplex congenita 6.

Women's Health and Genetics/Laboratory Corporation of America, LabCorp
Classification: Pathogenic for Nemaline myopathy. Last evaluated: 2025-03-06. Review status: criteria provided, single submitter. Criteria: LabCorp Variant Classification Summary - May 2015. Collection method: clinical testing. Allele origin: germline. Not counted in ClinVar's aggregate classification.
Comment: Variant summary: NEB c.78+1G>A is located in a canonical splice-site and is predicted to affect mRNA splicing resulting in a significantly altered protein due to either exon skipping, shortening, or inclusion of intronic material. Variants that disrupt the consensus splice site are a relatively common cause of aberrant splicing and loss of NEB function. Consensus agreement among computation tools predict no significant impact on normal splicing. However, these predictions have yet to be confirmed by functional studies. The variant allele was found at a frequency of 8e-06 in 248816 control chromosomes. c.78+1G>A has been reported in the literature in individuals affected with Nemaline Myopathy 2 (Todd_2015, Lehtokari_2014). These data indicate that the variant is likely to be associated with disease. To our knowledge, no experimental evidence demonstrating an impact on protein function has been reported. The following publications have been ascertained in the context of this evaluation (PMID: 25205138, 26578207). ClinVar contains an entry for this variant (Variation ID: 552018). Based on the evidence outlined above, the variant was classified as pathogenic.

Natera, Inc.
Classification: Pathogenic for Nemaline myopathy type 2. Last evaluated: 2024-12-05. Review status: criteria provided, single submitter. Criteria: Natera Variant Classification Schema (03/2026). Collection method: clinical testing. Allele origin: germline. Not counted in ClinVar's aggregate classification.
Comment: The c.78+1G>A variant in NEB is a canonical splice donor site variant predicted to affect pre-mRNA splicing, which may result in an abnormal transcript and altered protein product. This variant may result in a truncated or dysfunctional protein product. This variant is rare in the general population with a frequency below the threshold expected for the associated phenotype(s). This variant has been observed in one or more individuals affected with the associated recessive disease, as either homozygous or compound heterozygous with a second variant (PMID: 30859559, 25205138, 19232495). Given the available evidence, this variant is classified as Pathogenic.

Fulgent Genetics
Classification: Pathogenic for Nemaline myopathy 2; Arthrogryposis multiplex congenita 6. Last evaluated: 2024-04-12. Review status: criteria provided, single submitter. Criteria: ACMG Guidelines, 2015. Collection method: clinical testing. Allele origin: germline. Not counted in ClinVar's aggregate classification.

Baylor Genetics
Classification: Pathogenic for Arthrogryposis multiplex congenita 6. Last evaluated: 2024-03-29. Review status: criteria provided, single submitter. Criteria: ACMG Guidelines, 2015. Collection method: clinical testing. Allele origin: unknown. Not counted in ClinVar's aggregate classification.

Myriad Genetics, Inc.
Classification: Pathogenic for Nemaline myopathy 2. Last evaluated: 2021-11-15. Review status: criteria provided, single submitter. Criteria: Myriad Women's Health Autosomal Recessive and X-Linked Classification Criteria (2021). Collection method: clinical testing. Allele origin: unknown. Not counted in ClinVar's aggregate classification.
Comment: NM_001271208.1(NEB):c.78+1G>A is a canonical splice variant classified as pathogenic in the context of NEB-related nemaline myopathy. c.78+1G>A has been observed in cases with relevant disease (PMID: 25205138, 30859559). Functional assessments of this variant are not available in the literature. c.78+1G>A has been observed in population frequency databases (gnomAD: NFE 0.001%). In summary, NM_001271208.1(NEB):c.78+1G>A is a canonical splice variant that has been observed more frequently in cases with the relevant disease than in healthy populations. Please note: this variant was assessed in the context of healthy population screening.

Revvity Omics, Revvity
Classification: Pathogenic. Last evaluated: 2020-06-02. Review status: criteria provided, single submitter. Criteria: ACMG Guidelines, 2015. Collection method: clinical testing. Allele origin: germline. Not counted in ClinVar's aggregate classification.

Fulgent Genetics
Classification: Pathogenic for Nemaline myopathy 2. Last evaluated: 2018-10-31. Review status: criteria provided, single submitter. Criteria: ACMG Guidelines, 2015. Collection method: clinical testing. Allele origin: unknown. Not counted in ClinVar's aggregate classification.

PreventionGenetics, part of Exact Sciences
Classification: Pathogenic for NEB-related condition. Last evaluated: 2023-12-27. Review status: no assertion criteria provided. Collection method: clinical testing. Allele origin: germline. Not counted in ClinVar's aggregate classification.
Comment: The NEB c.78+1G>A variant is predicted to disrupt the GT donor site and interfere with normal splicing. This variant was reported in patients with nemaline myopathy (Lehtokari et al. 2009. PubMed ID: 19232495; Pagnamenta et al. 2019. PubMed ID: 30859559; Lehtokari et al. 2014. PubMed ID: 25205138). This variant is reported in 0.0065% of alleles in individuals of African descent in gnomAD. Variants that disrupt the consensus splice donor site in NEB are expected to be pathogenic. This variant is interpreted as pathogenic.

Literature cited by the submitters: PubMed 16199547 (cited by Labcorp Genetics (formerly Invitae), Labcorp); PubMed 25205138 (cited by 5 submitters); PubMed 19232495 (cited by 4 submitters); PubMed 30859559 (cited by 3 submitters); PubMed 26578207 (cited by Women's Health and Genetics/Laboratory Corporation of America, LabCorp).